The following is an entry in ClinVar:

NM_001267550.2(TTN):c.48768A>G (p.Pro16256=)

Genes: TTN (titin; minus strand), TTN-AS1 (TTN antisense RNA 1; plus strand), LOC126806426 (BRD4-independent group 4 enhancer GRCh37_chr2:179478848-179480047; plus strand). Cytogenetic location: 2q31.2.
Variant type: single nucleotide variant.
Coding change: c.48768A>G on transcript NM_001267550.2 (MANE Select); coding-DNA position 48768, A replaced by G.
Protein change: p.Pro16256=; no amino-acid change (proline 16256 retained).
Molecular consequence: synonymous variant. On other transcripts: non-coding transcript variant (1).
Genome position (GRCh38, 1-based): chr2:178,614,746, T>C on the plus strand (A>G on the coding strand, the complement: TTN is on the minus strand). VCF-style: chr2-178614746-T-C. GRCh37 (hg19) VCF-style: chr2-179479473-T-C.
Other names: c.43845A>G, p.Pro14615= (NM_001256850.1); c.21573A>G, p.Pro7191= (NM_003319.4); c.41064A>G, p.Pro13688= (NM_133378.4); c.21948A>G, p.Pro7316= (NM_133432.3); c.22149A>G, p.Pro7383= (NM_133437.4).
Identifiers: ClinVar variation 681487 (VCV000681487.12), dbSNP rs779245098, ClinGen allele CA1994746.

ClinVar aggregate classification (germline): Likely benign. Review status: criteria provided, multiple submitters, no conflicts (2 of 4 stars). 3 submissions from 3 submitters: Likely benign (3). Last evaluated 2025-11-02.

Conditions:
Cardiovascular phenotype. Identifiers: MedGen CN230736.
Dilated cardiomyopathy 1G (CMD1G). Identifiers: Orphanet 154, MedGen C1858763, MONDO:0011400, OMIM 604145.
Autosomal recessive limb-girdle muscular dystrophy type 2J (LGMDR10). Also called: MUSCULAR DYSTROPHY, LIMB-GIRDLE, AUTOSOMAL RECESSIVE 10; Limb-girdle muscular dystrophy, type 2J. Identifiers: Orphanet 140922, MedGen C1837342, MONDO:0012127, OMIM 608807.

Allele frequency attached by ClinVar (database versions not stated): ExAC 0.00001; gnomAD exomes 0.00001; TOPMed 0.00001.
gnomAD v4.1: 19 of 1,606,604 alleles (0.0012%); highest among the groups gnomAD compares: Non-Finnish European, 0.0015%; no homozygotes.

Submissions (3):

Labcorp Genetics (formerly Invitae), Labcorp
Classification: Likely benign for Dilated cardiomyopathy 1G; Autosomal recessive limb-girdle muscular dystrophy type 2J. Last evaluated: 2025-11-02. Review status: criteria provided, single submitter. Criteria: Invitae Variant Classification Sherloc (09022015). Collection method: clinical testing. Allele origin: germline.

Ambry Genetics
Classification: Likely benign for Cardiovascular phenotype. Last evaluated: 2020-05-27. Review status: criteria provided, single submitter. Criteria: Ambry Variant Classification Scheme 2023. Collection method: clinical testing. Allele origin: germline.

GeneDx
Classification: Likely benign. Last evaluated: 2018-03-27. Review status: criteria provided, single submitter. Criteria: GeneDx Variant Classification (06012015). Collection method: clinical testing. Allele origin: germline. Affected: yes.
Comment: This variant is considered likely benign or benign based on one or more of the following criteria: it is a conservative change, it occurs at a poorly conserved position in the protein, it is predicted to be benign by multiple in silico algorithms, and/or has population frequency not consistent with disease.